The following is an entry in ClinVar:

NM_002495.4(NDUFS4):c.312A>G (p.Arg104=)

Gene: NDUFS4 (NADH:ubiquinone oxidoreductase subunit S4; plus strand). Cytogenetic location: 5q11.2.
Variant type: single nucleotide variant.
Coding change: c.312A>G on transcript NM_002495.4 (MANE Select); coding-DNA position 312, A replaced by G.
Protein change: p.Arg104=; no amino-acid change (arginine 104 retained).
Molecular consequence: synonymous variant. On other transcripts: non-coding transcript variant (3).
Genome position (GRCh38, 1-based): chr5:53,646,367, A>G. VCF-style: chr5-53646367-A-G. GRCh37 (hg19) VCF-style: chr5-52942197-A-G.
Other names: c.312A>G, p.Arg104= (NM_001318051.2).
Identifiers: ClinVar variation 129701 (VCV000129701.26), dbSNP rs31303, ClinGen allele CA153873.

ClinVar aggregate classification (germline): Benign. Review status: criteria provided, multiple submitters, no conflicts (2 of 4 stars). 9 submissions from 8 submitters: Benign (7). 2 of the submissions do not count toward it. Last evaluated 2026-02-04.

Conditions:
Leigh syndrome (NULS). Also called: Leigh Disease; Subacute necrotizing encephalopathy; Necrotizing encephalopathy infantile subacute of Leigh; Leigh's necrotizing encephalopathy; Leigh's disease; Leigh Syndrome (mtDNA deletion). Identifiers: Orphanet 506, MedGen C2931891, MONDO:0009723, OMIM 256000.
Mitochondrial complex I deficiency, nuclear type 1. Also called: NADH-COENZYME Q REDUCTASE DEFICIENCY; MITOCHONDRIAL NADH DEHYDROGENASE COMPONENT OF COMPLEX I, DEFICIENCY OF. Identifiers: MedGen C6022305, MONDO:0100224, OMIM 252010.

Allele frequency attached by ClinVar (database versions not stated): gnomAD exomes 0.76820 and 0.77481; ExAC 0.77345; gnomAD 0.79057 and 0.79100; ESP Exome Variant Server 0.79248; TOPMed 0.79380; 1000 Genomes Project 30x 0.79981; 1000 Genomes Project 0.80012.
gnomAD v4.1: 1,242,990 of 1,613,250 alleles (77%); highest among the groups gnomAD compares: African/African-American, 85%; 479,850 homozygotes.

Submissions (9):

Labcorp Genetics (formerly Invitae), Labcorp
Classification: Benign. Last evaluated: 2026-02-04. Review status: criteria provided, single submitter. Criteria: Invitae Variant Classification Sherloc (09022015). Collection method: clinical testing. Allele origin: germline.

Blueprint Genetics
Classification: Benign. Last evaluated: 2024-11-26. Review status: criteria provided, single submitter. Criteria: ACMG Guidelines, 2015. Collection method: clinical testing. Allele origin: germline.

Genome-Nilou Lab
Classification: Benign for Mitochondrial complex I deficiency, nuclear type 1. Last evaluated: 2021-09-05. Review status: criteria provided, single submitter. Criteria: ACMG Guidelines, 2015. Collection method: clinical testing. Allele origin: germline. Affected: no.

Illumina Laboratory Services, Illumina
Classification: Benign for Mitochondrial complex I deficiency, nuclear type 1. Last evaluated: 2018-01-13. Review status: criteria provided, single submitter. Criteria: ICSL Variant Classification Criteria 13 December 2019. Collection method: clinical testing. Allele origin: germline.
Comment: This variant was observed in the ICSL laboratory as part of a predisposition screen in an ostensibly healthy population. It had not been previously curated by ICSL or reported in the Human Gene Mutation Database (HGMD: prior to June 1st, 2018), and was therefore a candidate for classification through an automated scoring system. Utilizing variant allele frequency, disease prevalence and penetrance estimates, and inheritance mode, an automated score was calculated to assess if this variant is too frequent to cause the disease. Based on the score and internal cut-off values, a variant classified as benign is not then subjected to further curation. The score for this variant resulted in a classification of benign for this disease.

Illumina Laboratory Services, Illumina
Classification: Benign for Leigh syndrome. Last evaluated: 2018-01-13. Review status: criteria provided, single submitter. Criteria: ICSL Variant Classification Criteria 13 December 2019. Collection method: clinical testing. Allele origin: germline.
Comment: the same text as in the submission from Illumina Laboratory Services, Illumina above.

GeneDx
Classification: Benign. Last evaluated: 2015-03-03. Review status: criteria provided, single submitter. Criteria: GeneDx Variant Classification Process June 2021. Collection method: clinical testing. Allele origin: germline. Affected: yes.

Breakthrough Genomics
Classification: Benign. Review status: criteria provided, single submitter. Criteria: ACMG Guidelines, 2015. Collection method: not provided. Allele origin: germline. Inheritance: Autosomal recessive inheritance. Affected: yes.

Mayo Clinic Laboratories, Mayo Clinic
Classification: Benign. Last evaluated: 2016-02-19. Review status: no assertion criteria provided. Collection method: clinical testing. Allele origin: unknown. Not counted in ClinVar's aggregate classification.

Genetic Services Laboratory, University of Chicago
Classification: Likely benign for AllHighlyPenetrant. Review status: no assertion criteria provided. Collection method: clinical testing. Allele origin: germline. Inheritance: Autosomal recessive inheritance. Not counted in ClinVar's aggregate classification.
Comment: Likely benign based on allele frequency in 1000 Genomes Project or ESP global frequency and its presence in a patient with a rare or unrelated disease phenotype. NOT Sanger confirmed.